The following is an entry in ClinVar:

ClinVar aggregate classification (germline): Uncertain significance (1 of 4 stars; one submission).

Submission:

Labcorp Genetics (formerly Invitae), Labcorp
Classification: Uncertain significance. Last evaluated: 2025-12-03. Review status: criteria provided, single submitter. Criteria: Invitae Variant Classification Sherloc (09022015). Collection method: clinical testing. Allele origin: germline.
Comment: This sequence change replaces glutamic acid, which is acidic and polar, with glutamine, which is neutral and polar, at codon 366 of the ESR2 protein (p.Glu366Gln). This variant is not present in population databases (gnomAD no frequency). This variant has not been reported in the literature in individuals affected with ESR2-related conditions. Invitae Evidence Modeling of protein sequence and biophysical properties (such as structural, functional, and spatial information, amino acid conservation, physicochemical variation, residue mobility, and thermodynamic stability) indicates that this missense variant is not expected to disrupt ESR2 protein function with a negative predictive value of 80%. In summary, the available evidence is currently insufficient to determine the role of this variant in disease. Therefore, it has been classified as a Variant of Uncertain Significance.

NM_001437.3(ESR2):c.1096G>C (p.Glu366Gln)

Gene: ESR2 (estrogen receptor 2; minus strand). Cytogenetic location: 14q23.2.
Variant type: single nucleotide variant.
Coding change: c.1096G>C on transcript NM_001437.3 (MANE Select); coding-DNA position 1096, G replaced by C.
Protein change: p.Glu366Gln; replaces glutamic acid 366 with glutamine.
Molecular consequence: missense variant. On other transcripts: non-coding transcript variant (2), intron variant (1).
Genome position (GRCh38, 1-based): chr14:64,249,675, C>G on the plus strand (G>C on the coding strand, the complement: ESR2 is on the minus strand). VCF-style: chr14-64249675-C-G. GRCh37 (hg19) VCF-style: chr14-64716393-C-G.
Other names: c.1096G>C, p.Glu366Gln (NM_001040275.1, NM_001214902.1, NM_001271876.1 and 2 more transcripts); c.952+10774G>C (NM_001271877.1); short protein forms E366Q.
Identifiers: ClinVar variation 4774805 (VCV004774805.1).
Genomic context (GRCh38, chr14:64,249,675, plus strand): 5'-TTGAAGTAGTTGCCAGGAGCATGTCAAAGATTTCCAGAATTCCTTCTACGCATTTCCCCT[C>G]ATCCCTACAAAAGTTCGTTTGGAAATTTAAGGAACATAGCTTCAGGAAACCATCAAAAAA-3'
Protein context (NP_001428.1, residues 356-376): FAPDLVLDRD[Glu366Gln]GKCVEGILEI